The following is an entry in ClinVar:

ClinVar aggregate classification (germline): Pathogenic (1 of 4 stars; one submission).

Conditions:
Hereditary breast ovarian cancer syndrome. Also called: Hereditary breast and ovarian cancer syndrome (HBOC); Hereditary breast and ovarian cancer syndrome; Hereditary breast and/or ovarian cancer syndrome; Hereditary breast and ovarian cancer; Breast and ovarian cancer; BRCA1- and BRCA2-Associated Hereditary Breast and Ovarian Cancer. Identifiers: Orphanet 145, MedGen C0677776, MeSH D061325, MONDO:0003582. Disease mechanism: loss of function.

Submission:

Labcorp Genetics (formerly Invitae), Labcorp
Classification: Pathogenic for Hereditary breast ovarian cancer syndrome. Last evaluated: 2024-04-23. Review status: criteria provided, single submitter. Criteria: Invitae Variant Classification Sherloc (09022015). Collection method: clinical testing. Allele origin: germline.
Comment: This sequence change creates a premature translational stop signal (p.Leu313Trpfs*8) in the BRCA1 gene. It is expected to result in an absent or disrupted protein product. Loss-of-function variants in BRCA1 are known to be pathogenic (PMID: 20104584). This variant is not present in population databases (gnomAD no frequency). This variant has not been reported in the literature in individuals affected with BRCA1-related conditions. For these reasons, this variant has been classified as Pathogenic.

Literature cited by the submitters: PubMed 20104584.

NM_007294.4(BRCA1):c.934_937dup (p.Leu313fs)

Gene: BRCA1 (BRCA1 DNA repair associated; minus strand). Cytogenetic location: 17q21.31.
Variant type: Duplication.
Coding change: c.934_937dup on transcript NM_007294.4 (MANE Select); coding-DNA positions 934 to 937, 4 bases duplicated (GGCT; older notation c.934_937dupGGCT).
Protein change: p.Leu313fs; shifts the reading frame from leucine 313.
Molecular consequence: frameshift variant. On other transcripts: intron variant (137).
Genome position (GRCh38, 1-based): chr17:43,094,594-43,094,597, AGCC duplicated on the plus strand (GGCT on the coding strand, the reverse complement: BRCA1 is on the minus strand); duplicating any 4 consecutive bases within chr17:43,094,594-43,094,599 gives the same sequence; the c. name uses the placement nearest the transcript's 3' end. VCF-style (leftmost placement, unchanged base first): chr17-43094593-A-AAGCC. GRCh37 (hg19) VCF-style: chr17-41246610-A-AAGCC.
Other names: c.808_811dup, p.Leu271fs (NM_001407672.1, NM_001407673.1, NM_001407685.1 and 11 more transcripts); c.811_814dup, p.Leu272fs (NM_001407674.1, NM_001407675.1, NM_001407676.1 and 19 more transcripts); c.934_937dup, p.Leu313fs (NM_001407684.1, NM_001407854.1, NM_001407858.1 and 30 more transcripts); c.793_796dup, p.Leu266fs (NM_001407692.1, NM_001407694.1, NM_001407695.1 and 29 more transcripts); c.790_793dup, p.Leu265fs (NM_001407740.1, NM_001407741.1, NM_001407742.1 and 20 more transcripts); c.721_724dup, p.Leu242fs (NM_001407853.1, NM_001407894.1, NM_001407895.1 and 9 more transcripts); c.931_934dup, p.Leu312fs (NM_001407860.1, NM_001407861.1, NM_001407587.1 and 22 more transcripts); c.733_736dup, p.Leu246fs (NM_001407862.1); and 40 more; short protein forms L201fs, L186fs, L242fs, L271fs, L272fs, L312fs, L225fs, L245fs.
Identifiers: ClinVar variation 2855452 (VCV002855452.3), dbSNP rs2552226620, ClinGen allele CA2739265618.
Genomic context (GRCh38, chr17:43,094,593, plus strand): 5'-GTCCGCCTATCATTACATGTTTCCTTACTTCCAGCCCATCTGTTATGTTGGCTCCTTGCT[A>AAGCC]AGCCAGGCTGTTTGCTTTTATTACAGAATTCAGCCTTTTCTACATTCATTCTGTCTTTAG-3'